The following is an entry in ClinVar:

ClinVar aggregate classification (germline): Uncertain significance. Review status: criteria provided, multiple submitters, no conflicts (2 of 4 stars). 2 submissions from 2 submitters: Uncertain significance (2). Last evaluated 2025-04-28.

Conditions:
Hereditary nonpolyposis colorectal neoplasms. Identifiers: MedGen C0009405, MeSH D003123.
Hereditary cancer-predisposing syndrome. Also called: Hereditary Cancer Syndrome; Neoplastic Syndromes, Hereditary; Tumor predisposition; Hereditary neoplastic syndrome. Identifiers: Orphanet 140162, MedGen C0027672, MeSH D009386, MONDO:0015356.

Allele frequency attached by ClinVar (database versions not stated): gnomAD exomes below 0.00001.
gnomAD v4.1: 1 of 1,605,146 alleles (0.000062%); highest among the groups gnomAD compares: Non-Finnish European, 0.000085%; no homozygotes.

Submissions (2):

Ambry Genetics
Classification: Uncertain significance for Hereditary cancer-predisposing syndrome. Last evaluated: 2025-04-28. Review status: criteria provided, single submitter. Criteria: Ambry Variant Classification Scheme 2023. Collection method: clinical testing. Allele origin: germline.
Comment: The p.H88R variant (also known as c.263A>G), located in coding exon 4 of the PMS2 gene, results from an A to G substitution at nucleotide position 263. The histidine at codon 88 is replaced by arginine, an amino acid with highly similar properties. This amino acid position is well conserved in available vertebrate species. In addition, the in silico prediction for this alteration is inconclusive. Based on the available evidence, the clinical significance of this variant remains unclear.

Labcorp Genetics (formerly Invitae), Labcorp
Classification: Uncertain significance for Hereditary nonpolyposis colorectal neoplasms. Last evaluated: 2023-09-26. Review status: criteria provided, single submitter. Criteria: Invitae Variant Classification Sherloc (09022015). Collection method: clinical testing. Allele origin: germline.
Comment: ClinVar contains an entry for this variant (Variation ID: 480937). In summary, the available evidence is currently insufficient to determine the role of this variant in disease. Therefore, it has been classified as a Variant of Uncertain Significance. Advanced modeling of protein sequence and biophysical properties (such as structural, functional, and spatial information, amino acid conservation, physicochemical variation, residue mobility, and thermodynamic stability) performed at Invitae indicates that this missense variant is expected to disrupt PMS2 protein function. This variant has not been reported in the literature in individuals affected with PMS2-related conditions. This variant is not present in population databases (gnomAD no frequency). This sequence change replaces histidine, which is basic and polar, with arginine, which is basic and polar, at codon 88 of the PMS2 protein (p.His88Arg).

NM_000535.7(PMS2):c.263A>G (p.His88Arg)

Gene: PMS2 (PMS1 homolog 2, mismatch repair system component; minus strand). Cytogenetic location: 7p22.1.
Variant type: single nucleotide variant.
Coding change: c.263A>G on transcript NM_000535.7 (MANE Select); coding-DNA position 263, A replaced by G.
Protein change: p.His88Arg; replaces histidine 88 with arginine.
Molecular consequence: missense variant. On other transcripts: 5 prime UTR variant (9), non-coding transcript variant (1), intron variant (2).
Genome position (GRCh38, 1-based): chr7:6,003,780, T>C on the plus strand (A>G on the coding strand, the complement: PMS2 is on the minus strand). VCF-style: chr7-6003780-T-C. GRCh37 (hg19) VCF-style: chr7-6043411-T-C.
Other names: c.-143A>G (NM_001322003.2, NM_001322004.2, NM_001322005.2 and 3 more transcripts); c.263A>G, p.His88Arg (NM_001322006.2, NM_001322014.2); c.-622A>G (NM_001322011.2, NM_001322012.2); c.-222A>G (NM_001322015.2); c.35+192A>G (NM_001322008.2, NM_001322007.2); short protein forms H88R.
Identifiers: ClinVar variation 480937 (VCV000480937.9), dbSNP rs1554304774, ClinGen allele CA366744708.